The following is an entry in ClinVar:

ClinVar aggregate classification (germline): Uncertain significance (1 of 4 stars; one submission).

Submission:

Labcorp Genetics (formerly Invitae), Labcorp
Classification: Uncertain significance. Last evaluated: 2024-03-16. Review status: criteria provided, single submitter. Criteria: Invitae Variant Classification Sherloc (09022015). Collection method: clinical testing. Allele origin: germline.
Comment: This sequence change replaces asparagine, which is neutral and polar, with tyrosine, which is neutral and polar, at codon 269 of the CFH protein (p.Asn269Tyr). This variant is not present in population databases (gnomAD no frequency). This variant has not been reported in the literature in individuals affected with CFH-related conditions. An algorithm developed to predict the effect of missense changes on protein structure and function (PolyPhen-2) suggests that this variant is likely to be tolerated. In summary, the available evidence is currently insufficient to determine the role of this variant in disease. Therefore, it has been classified as a Variant of Uncertain Significance.

NM_000186.4(CFH):c.805A>T (p.Asn269Tyr)

Gene: CFH (complement factor H; plus strand). Cytogenetic location: 1q31.3.
Variant type: single nucleotide variant.
Coding change: c.805A>T on transcript NM_000186.4 (MANE Select); coding-DNA position 805, A replaced by T.
Protein change: p.Asn269Tyr; replaces asparagine 269 with tyrosine.
Molecular consequence: missense variant.
Genome position (GRCh38, 1-based): chr1:196,685,078, A>T. VCF-style: chr1-196685078-A-T. GRCh37 (hg19) VCF-style: chr1-196654208-A-T.
Other names: c.805A>T, p.Asn269Tyr (NM_001014975.3); short protein forms N269Y.
Identifiers: ClinVar variation 3672307 (VCV003672307.2).